The following is an entry in ClinVar:

ClinVar aggregate classification (germline): Uncertain significance (1 of 4 stars; one submission).

Submission:

Labcorp Genetics (formerly Invitae), Labcorp
Classification: Uncertain significance. Last evaluated: 2022-07-02. Review status: criteria provided, single submitter. Criteria: Invitae Variant Classification Sherloc (09022015). Collection method: clinical testing. Allele origin: germline.
Comment: In summary, the available evidence is currently insufficient to determine the role of this variant in disease. Therefore, it has been classified as a Variant of Uncertain Significance. Algorithms developed to predict the effect of missense changes on protein structure and function output the following: SIFT: "Tolerated"; PolyPhen-2: "Benign"; Align-GVGD: "Class C0". The isoleucine amino acid residue is found in multiple mammalian species, which suggests that this missense change does not adversely affect protein function. This variant has not been reported in the literature in individuals affected with AKR1D1-related conditions. This variant is not present in population databases (gnomAD no frequency). This sequence change replaces valine, which is neutral and non-polar, with isoleucine, which is neutral and non-polar, at codon 43 of the AKR1D1 protein (p.Val43Ile).

NM_005989.4(AKR1D1):c.127G>A (p.Val43Ile)

Gene: AKR1D1 (aldo-keto reductase family 1 member D1; plus strand). Cytogenetic location: 7q33.
Variant type: single nucleotide variant.
Coding change: c.127G>A on transcript NM_005989.4 (MANE Select); coding-DNA position 127, G replaced by A.
Protein change: p.Val43Ile; replaces valine 43 with isoleucine.
Molecular consequence: missense variant.
Genome position (GRCh38, 1-based): chr7:138,088,634, G>A. VCF-style: chr7-138088634-G-A. GRCh37 (hg19) VCF-style: chr7-137773380-G-A.
Other names: c.127G>A, p.Val43Ile (NM_001190906.2, NM_001190907.2); short protein forms V43I.
Identifiers: ClinVar variation 2013196 (VCV002013196.4), dbSNP rs1412789407, ClinGen allele CA369356876.